The following is an entry in ClinVar:

ClinVar aggregate classification (germline): Uncertain significance (1 of 4 stars; one submission).

Conditions:
Epidermolysis bullosa simplex 5B, with muscular dystrophy (EBS5B). Also called: EPIDERMOLYSIS BULLOSA SIMPLEX AND LIMB-GIRDLE MUSCULAR DYSTROPHY; Epidermolysis bullosa simplex with muscular dystrophy. Identifiers: Orphanet 257, MedGen C2931072, MONDO:0009181, OMIM 226670.
Epidermolysis bullosa simplex 5C, with pyloric atresia (EBS5C). Also called: Epidermolysis bullosa simplex with pyloric atresia; PLEC-Related Epidermolysis Bullosa with Pyloric Atresia; PLEC1-Related Epidermolysis Bullosa with Pyloric Atresia. Identifiers: Orphanet 158684, MedGen C2677349, MONDO:0012807, OMIM 612138.
Autosomal recessive limb-girdle muscular dystrophy type 2Q (LGMDR17). Also called: MUSCULAR DYSTROPHY, LIMB-GIRDLE, AUTOSOMAL RECESSIVE 17. Identifiers: Orphanet 254361, MedGen C3150989, MONDO:0013390, OMIM 613723.
Epidermolysis bullosa simplex with nail dystrophy (EBS5D). Identifiers: MedGen C4225309, MONDO:0014661, OMIM 616487.
Epidermolysis bullosa simplex, Ogna type (EBS5A). Also called: Pidermolysis bullosa simplex 5A, Ogna type; EPIDERMOLYSIS BULLOSA SIMPLEX 5A, OGNA TYPE. Identifiers: Orphanet 79401, MedGen C0432317, MONDO:0007555, OMIM 131950.

Allele frequency attached by ClinVar (database versions not stated): ExAC 0.00001; gnomAD 0.00001 and 0.00002; TOPMed 0.00002.

Submission:

Labcorp Genetics (formerly Invitae), Labcorp
Classification: Uncertain significance for Autosomal recessive limb-girdle muscular dystrophy type 2Q; Epidermolysis bullosa simplex, Ogna type; Epidermolysis bullosa simplex with nail dystrophy; Epidermolysis bullosa simplex 5C, with pyloric atresia; Epidermolysis bullosa simplex 5B, with muscular dystrophy. Last evaluated: 2025-10-08. Review status: criteria provided, single submitter. Criteria: Invitae Variant Classification Sherloc (09022015). Collection method: clinical testing. Allele origin: germline.
Comment: This sequence change replaces arginine, which is basic and polar, with cysteine, which is neutral and slightly polar, at codon 2897 of the PLEC protein (p.Arg2897Cys). This variant is present in population databases (rs782503783, gnomAD 0.01%). This variant has not been reported in the literature in individuals affected with PLEC-related conditions. ClinVar contains an entry for this variant (Variation ID: 1046225). An algorithm developed to predict the effect of missense changes on protein structure and function (PolyPhen-2) suggests that this variant is likely to be disruptive. In summary, the available evidence is currently insufficient to determine the role of this variant in disease. Therefore, it has been classified as a Variant of Uncertain Significance.

NM_201384.3(PLEC):c.8608C>T (p.Arg2870Cys)

Gene: PLEC (plectin; minus strand). Cytogenetic location: 8q24.3.
Variant type: single nucleotide variant.
Coding change: c.8608C>T on transcript NM_201384.3 (MANE Select); coding-DNA position 8608, C replaced by T.
Protein change: p.Arg2870Cys; replaces arginine 2870 with cysteine.
Molecular consequence: missense variant.
Genome position (GRCh38, 1-based): chr8:143,921,213, G>A on the plus strand (C>T on the coding strand, the complement: PLEC is on the minus strand). VCF-style: chr8-143921213-G-A. GRCh37 (hg19) VCF-style: chr8-144995381-G-A.
Other names: c.8689C>T, p.Arg2897Cys (NM_000445.5); c.8566C>T, p.Arg2856Cys (NM_201378.4); c.8542C>T, p.Arg2848Cys (NM_201379.3); c.9019C>T, p.Arg3007Cys (NM_201380.4); c.8512C>T, p.Arg2838Cys (NM_201381.3); c.8608C>T, p.Arg2870Cys (NM_201382.4); c.8620C>T, p.Arg2874Cys (NM_201383.3); short protein forms R2874C, R2856C, R2897C, R2838C, R2848C, R2870C, R3007C.
Identifiers: ClinVar variation 1046225 (VCV001046225.5), dbSNP rs782503783, ClinGen allele CA4925252.